The following is an entry in ClinVar:

ClinVar aggregate classification (germline): Uncertain significance (1 of 4 stars; one submission).

Allele frequency attached by ClinVar (database versions not stated): gnomAD exomes below 0.00001; ExAC 0.00003.
gnomAD v4.1: 2 of 1,589,412 alleles (0.00013%); highest among the groups gnomAD compares: Admixed American, 0.0035%; no homozygotes.

Submission:

Labcorp Genetics (formerly Invitae), Labcorp
Classification: Uncertain significance. Last evaluated: 2024-02-24. Review status: criteria provided, single submitter. Criteria: Invitae Variant Classification Sherloc (09022015). Collection method: clinical testing. Allele origin: germline.
Comment: This sequence change replaces glycine, which is neutral and non-polar, with serine, which is neutral and polar, at codon 169 of the NDUFS7 protein (p.Gly169Ser). The frequency data for this variant in the population databases is considered unreliable, as metrics indicate poor data quality at this position in the gnomAD database. This variant has not been reported in the literature in individuals affected with NDUFS7-related conditions. ClinVar contains an entry for this variant (Variation ID: 1948740). An algorithm developed to predict the effect of missense changes on protein structure and function (PolyPhen-2) suggests that this variant is likely to be disruptive. In summary, the available evidence is currently insufficient to determine the role of this variant in disease. Therefore, it has been classified as a Variant of Uncertain Significance.

NM_024407.5(NDUFS7):c.505G>A (p.Gly169Ser)

Gene: NDUFS7 (NADH:ubiquinone oxidoreductase core subunit S7; plus strand). Cytogenetic location: 19p13.3.
Variant type: single nucleotide variant.
Coding change: c.505G>A on transcript NM_024407.5 (MANE Select); coding-DNA position 505, G replaced by A.
Protein change: p.Gly169Ser; replaces glycine 169 with serine.
Molecular consequence: missense variant.
Genome position (GRCh38, 1-based): chr19:1,393,291, G>A. VCF-style: chr19-1393291-G-A. GRCh37 (hg19) VCF-style: chr19-1393290-G-A.
Other names: c.505G>A, p.Gly169Ser (NM_001363602.2); short protein forms G169S.
Identifiers: ClinVar variation 1948740 (VCV001948740.5), dbSNP rs776899903, ClinGen allele CA9043417.